The following is an entry in ClinVar:

ClinVar aggregate classification (germline): Uncertain significance (1 of 4 stars; one submission).

Conditions:
Oligodontia-cancer predisposition syndrome. Also called: TOOTH AGENESIS-COLORECTAL CANCER SYNDROME. Identifiers: Orphanet 300576, MedGen C1837750, MONDO:0012075, OMIM 608615. Disease mechanism: loss of function.

Submission:

Labcorp Genetics (formerly Invitae), Labcorp
Classification: Uncertain significance for Oligodontia-cancer predisposition syndrome. Last evaluated: 2024-05-12. Review status: criteria provided, single submitter. Criteria: Invitae Variant Classification Sherloc (09022015). Collection method: clinical testing. Allele origin: germline.
Comment: This sequence change replaces glutamic acid, which is acidic and polar, with glutamine, which is neutral and polar, at codon 706 of the AXIN2 protein (p.Glu706Gln). This variant is not present in population databases (gnomAD no frequency). This variant has not been reported in the literature in individuals affected with AXIN2-related conditions. Advanced modeling of protein sequence and biophysical properties (such as structural, functional, and spatial information, amino acid conservation, physicochemical variation, residue mobility, and thermodynamic stability) performed at Invitae indicates that this missense variant is expected to disrupt AXIN2 protein function with a positive predictive value of 80%. In summary, the available evidence is currently insufficient to determine the role of this variant in disease. Therefore, it has been classified as a Variant of Uncertain Significance.

NM_004655.4(AXIN2):c.2116G>C (p.Glu706Gln)

Gene: AXIN2 (axin 2; minus strand). Cytogenetic location: 17q24.1.
Variant type: single nucleotide variant.
Coding change: c.2116G>C on transcript NM_004655.4 (MANE Select); coding-DNA position 2116, G replaced by C.
Protein change: p.Glu706Gln; replaces glutamic acid 706 with glutamine.
Molecular consequence: missense variant.
Genome position (GRCh38, 1-based): chr17:65,536,345, C>G on the plus strand (G>C on the coding strand, the complement: AXIN2 is on the minus strand). VCF-style: chr17-65536345-C-G. GRCh37 (hg19) VCF-style: chr17-63532463-C-G.
Other names: c.1921G>C, p.Glu641Gln (NM_001363813.1); short protein forms E641Q, E706Q.
Identifiers: ClinVar variation 3653073 (VCV003653073.2).